The following is an entry in ClinVar:

ClinVar aggregate classification (germline): Benign (1 of 4 stars; one submission).

Allele frequency attached by ClinVar (database versions not stated): 1000 Genomes Project 0.07728; 1000 Genomes Project 30x 0.08354; TOPMed 0.10837; gnomAD 0.11233 and 0.11673.
gnomAD v4.1: 16,963 of 152,166 alleles (11%); highest among the groups gnomAD compares: African/African-American, 16%; 1,104 homozygotes.

Submission:

GeneDx
Classification: Benign. Last evaluated: 2018-06-14. Review status: criteria provided, single submitter. Criteria: GeneDx Variant Classification (06012015). Collection method: clinical testing. Allele origin: germline. Affected: yes.
Comment: This variant is considered likely benign or benign based on one or more of the following criteria: it is a conservative change, it occurs at a poorly conserved position in the protein, it is predicted to be benign by multiple in silico algorithms, and/or has population frequency not consistent with disease.

NM_005159.5(ACTC1):c.129+319T>G

Genes: ACTC1 (actin alpha cardiac muscle 1; minus strand), GJD2-DT (GJD2 divergent transcript; plus strand). Cytogenetic location: 15q14.
Variant type: single nucleotide variant.
Coding change: c.129+319T>G on transcript NM_005159.5 (MANE Select); 319 bases into the intron after coding-DNA position 129, T replaced by G.
Molecular consequence: intron variant.
Genome position (GRCh38, 1-based): chr15:34,794,361, A>C on the plus strand (T>G on the coding strand, the complement: ACTC1 is on the minus strand). VCF-style: chr15-34794361-A-C. GRCh37 (hg19) VCF-style: chr15-35086562-A-C.
Identifiers: ClinVar variation 681257 (VCV000681257.1), dbSNP rs77247635, ClinGen allele CA268664301.
Genomic context (GRCh38, chr15:34,794,361, plus strand): 5'-TCCTGGTTGGTTGGGAGAGGTGATATTGTTAGAAGTTTTAAACAGGACTGAAAAGAGAGG[A>C]CAAGGAAGAAAATGAAGTGTATAAGGCAGAGAAGACACTAAAGACTAAAAGTCCAAAAGG-3'